The following is an entry in ClinVar:

ClinVar aggregate classification (germline): Uncertain significance (1 of 4 stars; one submission).

Conditions:
Familial adenomatous polyposis 2. Also called: MUTYH-related attenuated familial adenomatous polyposis; MUTYH-associated polyposis; Adenomas, multiple colorectal; MUTYH Polyposis; COLORECTAL ADENOMATOUS POLYPOSIS, AUTOSOMAL RECESSIVE; ADENOMAS, MULTIPLE COLORECTAL, AUTOSOMAL RECESSIVE. Identifiers: Orphanet 220460, Orphanet 247798, MedGen C3272841, MONDO:0012041, OMIM 608456.

Allele frequency attached by ClinVar (database versions not stated): gnomAD 0.00001.
gnomAD v4.1: 1 of 1,613,720 alleles (0.000062%); highest among the groups gnomAD compares: Admixed American, 0.0017%; no homozygotes.

Submission:

Labcorp Genetics (formerly Invitae), Labcorp
Classification: Uncertain significance for Familial adenomatous polyposis 2. Last evaluated: 2022-03-08. Review status: criteria provided, single submitter. Criteria: Invitae Variant Classification Sherloc (09022015). Collection method: clinical testing. Allele origin: germline.
Comment: This sequence change replaces arginine, which is basic and polar, with glycine, which is neutral and non-polar, at codon 7 of the MUTYH protein (p.Arg7Gly). In summary, the available evidence is currently insufficient to determine the role of this variant in disease. Therefore, it has been classified as a Variant of Uncertain Significance. Algorithms developed to predict the effect of missense changes on protein structure and function (SIFT, PolyPhen-2, Align-GVGD) all suggest that this variant is likely to be tolerated. ClinVar contains an entry for this variant (Variation ID: 945775). This variant has not been reported in the literature in individuals affected with MUTYH-related conditions. This variant is not present in population databases (gnomAD no frequency).

NM_001128425.2(MUTYH):c.19C>G (p.Arg7Gly)

Genes: MUTYH (mutY DNA glycosylase; minus strand), TOE1 (target of EGR1, exonuclease; plus strand). Cytogenetic location: 1p34.1.
Variant type: single nucleotide variant.
Coding change: c.19C>G on transcript NM_001128425.2 (MANE Plus Clinical); coding-DNA position 19, C replaced by G.
Protein change: p.Arg7Gly; replaces arginine 7 with glycine.
Molecular consequence: missense variant. On other transcripts: 5 prime UTR variant (8), non-coding transcript variant (3).
Genome position (GRCh38, 1-based): chr1:45,340,236, G>C on the plus strand (C>G on the coding strand, the complement: MUTYH is on the minus strand). VCF-style: chr1-45340236-G-C. GRCh37 (hg19) VCF-style: chr1-45805908-G-C.
Other names: c.-17G>C (NM_025077.4); c.-24C>G (NM_001048171.2); c.19C>G, p.Arg7Gly (NM_001293190.2, NM_001407069.1, NM_001407073.1 and 1 more transcripts); c.-236C>G (NM_001293192.2); c.-295C>G (NM_001350650.2); c.-231C>G (NM_001350651.2); c.-40C>G (NM_001407070.1, NM_001407071.1); c.-20C>G (NM_001407072.1); short protein forms R7G.
Identifiers: ClinVar variation 945775 (VCV000945775.10), dbSNP rs1382218222, ClinGen allele CA340137880.